The following is an entry in ClinVar:

ClinVar aggregate classification (germline): Uncertain significance (1 of 4 stars; one submission).

Conditions:
Long QT syndrome (LQTS). Identifiers: MedGen C0023976, MeSH D008133, MONDO:0002442. Disease mechanism: loss of function. Inheritance: Various modes of inheritance.

Submission:

Labcorp Genetics (formerly Invitae), Labcorp
Classification: Uncertain significance for Long QT syndrome. Last evaluated: 2024-02-26. Review status: criteria provided, single submitter. Criteria: Invitae Variant Classification Sherloc (09022015). Collection method: clinical testing. Allele origin: germline.
Comment: This sequence change replaces proline, which is neutral and non-polar, with histidine, which is basic and polar, at codon 197 of the KCNQ1 protein (p.Pro197His). This variant is not present in population databases (gnomAD no frequency). This variant has not been reported in the literature in individuals affected with KCNQ1-related conditions. ClinVar contains an entry for this variant (Variation ID: 527016). Advanced modeling of protein sequence and biophysical properties (such as structural, functional, and spatial information, amino acid conservation, physicochemical variation, residue mobility, and thermodynamic stability) performed at Invitae indicates that this missense variant is expected to disrupt KCNQ1 protein function with a positive predictive value of 95%. In summary, the available evidence is currently insufficient to determine the role of this variant in disease. Therefore, it has been classified as a Variant of Uncertain Significance.

NM_000218.3(KCNQ1):c.590C>A (p.Pro197His)

Gene: KCNQ1 (potassium voltage-gated channel subfamily Q member 1; plus strand). Cytogenetic location: 11p15.5.
Variant type: single nucleotide variant.
Coding change: c.590C>A on transcript NM_000218.3 (MANE Select); coding-DNA position 590, C replaced by A.
Protein change: p.Pro197His; replaces proline 197 with histidine.
Molecular consequence: missense variant.
Genome position (GRCh38, 1-based): chr11:2,570,740, C>A. VCF-style: chr11-2570740-C-A. GRCh37 (hg19) VCF-style: chr11-2591970-C-A.
Other names: c.590C>A, p.Pro197His (NM_001406836.1); c.320C>A, p.Pro107His (NM_001406837.1); c.209C>A, p.Pro70His (NM_181798.2); short protein forms P197H, P70H, P107H.
Identifiers: ClinVar variation 527016 (VCV000527016.10), dbSNP rs200108320, ClinGen allele CA379130064.
Genomic context (GRCh38, chr11:2,570,740, plus strand): 5'-CCGCCGGCTGCCGCAGCAAGTACGTGGGCCTCTGGGGGCGGCTGCGCTTTGCCCGGAAGC[C>A]CATTTCCATCATCGGTGAGTCATGCCTGCCCTGTGGAGGTCACGCCCAGGTTTCCAGACC-3'
Protein context (NP_000209.2, residues 187-207): LWGRLRFARK[Pro197His]ISIIDLIVVV